The following is an entry in ClinVar:

NM_014956.5(CEP164):c.2616+5C>G

Gene: CEP164 (centrosomal protein 164; plus strand). Cytogenetic location: 11q23.3.
Variant type: single nucleotide variant.
Coding change: c.2616+5C>G on transcript NM_014956.5 (MANE Select); 5 bases into the intron after coding-DNA position 2616, C replaced by G.
Molecular consequence: intron variant.
Genome position (GRCh38, 1-based): chr11:117,393,131, C>G. VCF-style: chr11-117393131-C-G. GRCh37 (hg19) VCF-style: chr11-117263847-C-G.
Other names: c.2625+5C>G (NM_001271933.2).
Identifiers: ClinVar variation 1059529 (VCV001059529.7), dbSNP rs2136378582, ClinGen allele CA2499220760.
Genomic context (GRCh38, chr11:117,393,131, plus strand): 5'-TGAAGGAGGAGCACCAGCAAGTGATGGCTAAGGCCAGAGAGCAGTATGAAGCTGAGGTAG[C>G]TCAGCCACATCCCCTGCGCGCATGCACACACATGCACACACACATGCACGCACATGCACA-3'

ClinVar aggregate classification (germline): Uncertain significance (1 of 4 stars; one submission).

Conditions:
Nephronophthisis 15 (NPHP15). Identifiers: Orphanet 3156, MedGen C3541853, MONDO:0013917, OMIM 614845.

Submission:

Labcorp Genetics (formerly Invitae), Labcorp
Classification: Uncertain significance for Nephronophthisis 15. Last evaluated: 2020-09-05. Review status: criteria provided, single submitter. Criteria: Invitae Variant Classification Sherloc (09022015). Collection method: clinical testing. Allele origin: germline.
Comment: This sequence change falls in intron 20 of the CEP164 gene. It does not directly change the encoded amino acid sequence of the CEP164 protein, but it affects a nucleotide within the consensus splice site of the intron. This variant is not present in population databases (ExAC no frequency). This variant has not been reported in the literature in individuals with CEP164-related conditions. Nucleotide substitutions within the consensus splice site are a relatively common cause of aberrant splicing (PMID: 17576681, 9536098). Algorithms developed to predict the effect of sequence changes on RNA splicing suggest that this variant may create or strengthen a splice site, but this prediction has not been confirmed by published transcriptional studies. In summary, the available evidence is currently insufficient to determine the role of this variant in disease. Therefore, it has been classified as a Variant of Uncertain Significance.

Literature cited by the submitters: PubMed 17576681; PubMed 9536098.